The following is an entry in ClinVar:

ClinVar aggregate classification (germline): Uncertain significance (1 of 4 stars; one submission).

Conditions:
CHARGE syndrome (CHARGE). Also called: Hittner Hirsch Kreh syndrome; CHARGE ASSOCIATION--COLOBOMA, HEART ANOMALY, CHOANAL ATRESIA, RETARDATION, GENITAL AND EAR ANOMALIES; Coloboma, heart anomaly, choanal atresia, retardation, genital and ear anomalies; CHARGE association; Hall-Hittner syndrome. Identifiers: Orphanet 138, MedGen C0265354, MONDO:0008965.

gnomAD v4.1: 5 of 1,613,908 alleles (0.00031%); highest among the groups gnomAD compares: Non-Finnish European, 0.00042%; no homozygotes.

Submission:

Labcorp Genetics (formerly Invitae), Labcorp
Classification: Uncertain significance for CHARGE syndrome. Last evaluated: 2025-10-02. Review status: criteria provided, single submitter. Criteria: Invitae Variant Classification Sherloc (09022015). Collection method: clinical testing. Allele origin: germline.
Comment: This sequence change replaces phenylalanine, which is neutral and non-polar, with valine, which is neutral and non-polar, at codon 516 of the SEMA3E protein (p.Phe516Val). This variant is not present in population databases (gnomAD no frequency). This variant has not been reported in the literature in individuals affected with SEMA3E-related conditions. Invitae Evidence Modeling of protein sequence and biophysical properties (such as structural, functional, and spatial information, amino acid conservation, physicochemical variation, residue mobility, and thermodynamic stability) indicates that this missense variant is not expected to disrupt SEMA3E protein function with a negative predictive value of 80%. In summary, the available evidence is currently insufficient to determine the role of this variant in disease. Therefore, it has been classified as a Variant of Uncertain Significance.

NM_012431.3(SEMA3E):c.1546T>G (p.Phe516Val)

Gene: SEMA3E (semaphorin 3E; minus strand). Cytogenetic location: 7q21.11.
Variant type: single nucleotide variant.
Coding change: c.1546T>G on transcript NM_012431.3 (MANE Select); coding-DNA position 1546, T replaced by G.
Protein change: p.Phe516Val; replaces phenylalanine 516 with valine.
Molecular consequence: missense variant.
Genome position (GRCh38, 1-based): chr7:83,392,676, A>C on the plus strand (T>G on the coding strand, the complement: SEMA3E is on the minus strand). VCF-style: chr7-83392676-A-C. GRCh37 (hg19) VCF-style: chr7-83021992-A-C.
Other names: c.1366T>G, p.Phe456Val (NM_001178129.2); short protein forms F456V, F516V.
Identifiers: ClinVar variation 4774816 (VCV004774816.1).